The following is an entry in ClinVar:

ClinVar aggregate classification (germline): Uncertain significance (1 of 4 stars; one submission).

Submission:

GeneDx
Classification: Uncertain significance. Last evaluated: 2017-03-30. Review status: criteria provided, single submitter. Criteria: GeneDx Variant Classification (06012015). Collection method: clinical testing. Allele origin: germline. Affected: yes.
Comment: The V126I variant in the GRXCR1 gene has not been reported previously as a pathogenic variant, nor as a benign variant, to our knowledge. The V126I variant is not observed in large population cohorts (Lek et al., 2016; 1000 Genomes Consortium et al., 2015; Exome Variant Server). The V126I variant is a conservative amino acid substitution, which is not likely to impact secondary protein structure as these residues share similar properties. This substitution occurs at a position that is conserved in mammals. In silico analysis predicts this variant likely does not alter the protein structure/function. We interpret V126I as a variant of uncertain significance.

NM_001080476.3(GRXCR1):c.376G>A (p.Val126Ile)

Gene: GRXCR1 (glutaredoxin and cysteine rich domain containing 1; plus strand). Cytogenetic location: 4p13.
Variant type: single nucleotide variant.
Coding change: c.376G>A on transcript NM_001080476.3 (MANE Select); coding-DNA position 376, G replaced by A.
Protein change: p.Val126Ile; replaces valine 126 with isoleucine.
Molecular consequence: missense variant.
Genome position (GRCh38, 1-based): chr4:42,893,642, G>A. VCF-style: chr4-42893642-G-A. GRCh37 (hg19) VCF-style: chr4-42895659-G-A.
Other names: short protein forms V126I.
Identifiers: ClinVar variation 426858 (VCV000426858.2), dbSNP rs1085307834, ClinGen allele CA356791661.
Genomic context (GRCh38, chr4:42,893,642, plus strand): 5'-GTCAGAGGCGTCAAATACAAAGTGAGTGCTGGCCAGGCTCTATTTAACAATTTGACCAAA[G>A]TATTACAGGTAAGTCATTGCTGTTTCCTTCTCCTGCTCTTTGTTCCTAACTCACCATCTG-3'
Protein context (NP_001073945.1, residues 116-136): GQALFNNLTK[Val126Ile]LQQPSTDLEF